The following is an entry in ClinVar:

NM_001395159.1(UNC79):c.2721_2724del (p.Pro908fs)

Gene: UNC79 (unc-79 homolog, NALCN channel complex subunit; plus strand). Cytogenetic location: 14q32.12.
Variant type: Deletion.
Coding change: c.2721_2724del on transcript NM_001395159.1 (MANE Select); coding-DNA positions 2721 to 2724, 4 bases deleted (CCCT; older notation c.2721_2724delCCCT).
Protein change: p.Pro908fs; shifts the reading frame from proline 908.
Molecular consequence: frameshift variant.
Genome position (GRCh38, 1-based): chr14:93,582,262-93,582,265, CCCT deleted. VCF-style (leftmost placement, unchanged base first): chr14-93582261-GCCCT-G. GRCh37 (hg19) VCF-style: chr14-94048607-GCCCT-G.
Other names: c.2721_2724del, p.Pro908fs (NM_001346218.2); c.2190_2193del, p.Pro731fs (NM_020818.5); short protein forms P731fs, P908fs.
Identifiers: ClinVar variation 3367859 (VCV003367859.1).
Genomic context (GRCh38, chr14:93,582,261, plus strand): 5'-AGGAGCCCACAGACAGCCTGGAGGATAGCCTCCTTTCTTCCAGACCAGAGTTTATCATAG[GCCCT>G]GAAGGGGAGGAGGAGGAGAATCCTGCAAGCAAGCATGGGGAGAACCCAGGCAACTGCACC-3'

ClinVar aggregate classification (germline): Uncertain significance (1 of 4 stars; one submission).

Submission:

GeneDx
Classification: Uncertain significance. Last evaluated: 2024-01-14. Review status: criteria provided, single submitter. Criteria: GeneDx Variant Classification Process June 2021. Collection method: clinical testing. Allele origin: germline. Affected: yes.
Comment: Has not been previously published as pathogenic or benign to our knowledge; Frameshift variant predicted to result in protein truncation or nonsense mediated decay in a gene or region of a gene for which loss of function is not a well-established mechanism of disease; Not observed at significant frequency in large population cohorts (gnomAD)